The following is an entry in ClinVar:

ClinVar aggregate classification (germline): Uncertain significance (1 of 4 stars; one submission).

Submission:

Ambry Genetics
Classification: Uncertain significance. Last evaluated: 2021-06-20. Review status: criteria provided, single submitter. Criteria: Ambry Variant Classification Scheme 2023. Collection method: clinical testing. Allele origin: germline.
Comment: The p.Q350E variant (also known as c.1048C>G), located in coding exon 12 of the NPAT gene, results from a C to G substitution at nucleotide position 1048. The glutamine at codon 350 is replaced by glutamic acid, an amino acid with highly similar properties. This amino acid position is conserved. In addition, this alteration is predicted to be tolerated by in silico analysis. Since supporting evidence is limited at this time, the clinical significance of this alteration remains unclear.

NM_002519.3(NPAT):c.1048C>G (p.Gln350Glu)

Gene: NPAT (nuclear protein, coactivator of histone transcription; minus strand). Cytogenetic location: 11q22.3.
Variant type: single nucleotide variant.
Coding change: c.1048C>G on transcript NM_002519.3 (MANE Select); coding-DNA position 1048, C replaced by G.
Protein change: p.Gln350Glu; replaces glutamine 350 with glutamic acid.
Molecular consequence: missense variant.
Genome position (GRCh38, 1-based): chr11:108,176,330, G>C on the plus strand (C>G on the coding strand, the complement: NPAT is on the minus strand). VCF-style: chr11-108176330-G-C. GRCh37 (hg19) VCF-style: chr11-108047057-G-C.
Other names: c.1048C>G, p.Gln350Glu (NM_001321307.1); short protein forms Q350E.
Identifiers: ClinVar variation 1776025 (VCV001776025.2), dbSNP rs2496725813, ClinGen allele CA382516939.